The following is an entry in ClinVar:

NM_012120.3(CD2AP):c.1727A>G (p.Asp576Gly)

Gene: CD2AP (CD2 associated protein; plus strand). Cytogenetic location: 6p12.3.
Variant type: single nucleotide variant.
Coding change: c.1727A>G on transcript NM_012120.3 (MANE Select); coding-DNA position 1727, A replaced by G.
Protein change: p.Asp576Gly; replaces aspartic acid 576 with glycine.
Molecular consequence: missense variant.
Genome position (GRCh38, 1-based): chr6:47,609,217, A>G. VCF-style: chr6-47609217-A-G. GRCh37 (hg19) VCF-style: chr6-47576953-A-G.
Other names: short protein forms D576G.
Identifiers: ClinVar variation 2183887 (VCV002183887.4), dbSNP rs750459384, ClinGen allele CA3844439.

ClinVar aggregate classification (germline): Uncertain significance (1 of 4 stars; one submission).

Allele frequency attached by ClinVar (database versions not stated): TOPMed 0.00001; gnomAD 0.00003.
gnomAD v4.1: 39 of 1,613,216 alleles (0.0024%); highest among the groups gnomAD compares: Non-Finnish European, 0.0031%; no homozygotes.

Submission:

Labcorp Genetics (formerly Invitae), Labcorp
Classification: Uncertain significance. Last evaluated: 2024-12-02. Review status: criteria provided, single submitter. Criteria: Invitae Variant Classification Sherloc (09022015). Collection method: clinical testing. Allele origin: germline.
Comment: This sequence change replaces aspartic acid, which is acidic and polar, with glycine, which is neutral and non-polar, at codon 576 of the CD2AP protein (p.Asp576Gly). This variant is present in population databases (rs750459384, gnomAD 0.006%). This variant has not been reported in the literature in individuals affected with CD2AP-related conditions. ClinVar contains an entry for this variant (Variation ID: 2183887). Invitae Evidence Modeling of protein sequence and biophysical properties (such as structural, functional, and spatial information, amino acid conservation, physicochemical variation, residue mobility, and thermodynamic stability) indicates that this missense variant is not expected to disrupt CD2AP protein function with a negative predictive value of 80%. In summary, the available evidence is currently insufficient to determine the role of this variant in disease. Therefore, it has been classified as a Variant of Uncertain Significance.